The following is an entry in ClinVar:

ClinVar aggregate classification (germline): Uncertain significance (1 of 4 stars; one submission).

Conditions:
Inborn genetic diseases. Identifiers: MedGen C0950123, MeSH D030342.

Submission:

Ambry Genetics
Classification: Uncertain significance for Inborn genetic diseases. Last evaluated: 2025-12-23. Review status: criteria provided, single submitter. Criteria: Ambry Variant Classification Scheme 2023. Collection method: clinical testing. Allele origin: germline.
Comment: The c.393+3A>G intronic alteration consists of an A to G substitution 3 nucleotides after exon 4 (coding exon 4) of the ALDH7A1 gene. Based on data from gnomAD, the G allele has an overall frequency of <0.001% (1/251452) total alleles studied. The highest observed frequency was 0.001% (1/113740) of European (non-Finnish) alleles. Based on insufficient or conflicting evidence, the clinical significance of this alteration remains unclear.

NM_001182.5(ALDH7A1):c.393+3A>G

Gene: ALDH7A1 (aldehyde dehydrogenase 7 family member A1; minus strand). Cytogenetic location: 5q23.2.
Variant type: single nucleotide variant.
Coding change: c.393+3A>G on transcript NM_001182.5 (MANE Select); 3 bases into the intron after coding-DNA position 393, A replaced by G.
Molecular consequence: intron variant.
Genome position (GRCh38, 1-based): chr5:126,583,929, T>C on the plus strand (A>G on the coding strand, the complement: ALDH7A1 is on the minus strand). VCF-style: chr5-126583929-T-C. GRCh37 (hg19) VCF-style: chr5-125919621-T-C.
Other names: c.393+3A>G (NM_001202404.2); c.309+3A>G (NM_001201377.2).
Identifiers: ClinVar variation 4831185 (VCV004831185.1).